The following is an entry in ClinVar:

ClinVar aggregate classification (germline): Uncertain significance (1 of 4 stars; one submission).

Conditions:
Cataract 10 multiple types. Also called: CATARACT 10, CONGENITAL ZONULAR, WITH SUTURAL OPACITIES. Identifiers: Orphanet 91492, MedGen C1833229, MONDO:0010948, OMIM 600881.

Submission:

Labcorp Genetics (formerly Invitae), Labcorp
Classification: Uncertain significance for Cataract 10 multiple types. Last evaluated: 2022-06-20. Review status: criteria provided, single submitter. Criteria: Invitae Variant Classification Sherloc (09022015). Collection method: clinical testing. Allele origin: germline.
Comment: This variant has not been reported in the literature in individuals affected with CRYBA1-related conditions. This variant is not present in population databases (gnomAD no frequency). ClinVar contains an entry for this variant (Variation ID: 837034). This sequence change replaces leucine, which is neutral and non-polar, with arginine, which is basic and polar, at codon 66 of the CRYBA1 protein (p.Leu66Arg). In summary, the available evidence is currently insufficient to determine the role of this variant in disease. Therefore, it has been classified as a Variant of Uncertain Significance. Algorithms developed to predict the effect of missense changes on protein structure and function (SIFT, PolyPhen-2, Align-GVGD) all suggest that this variant is likely to be disruptive.

NM_005208.5(CRYBA1):c.197T>G (p.Leu66Arg)

Gene: CRYBA1 (crystallin beta A1; plus strand). Cytogenetic location: 17q11.2.
Variant type: single nucleotide variant.
Coding change: c.197T>G on transcript NM_005208.5 (MANE Select); coding-DNA position 197, T replaced by G.
Protein change: p.Leu66Arg; replaces leucine 66 with arginine.
Molecular consequence: missense variant.
Genome position (GRCh38, 1-based): chr17:29,250,282, T>G. VCF-style: chr17-29250282-T-G. GRCh37 (hg19) VCF-style: chr17-27577300-T-G.
Other names: short protein forms L66R.
Identifiers: ClinVar variation 837034 (VCV000837034.6), dbSNP rs2068927678, ClinGen allele CA398475861.